The following is an entry in ClinVar:

ClinVar aggregate classification (germline): Uncertain significance (1 of 4 stars; one submission).

Conditions:
Brachyolmia-amelogenesis imperfecta syndrome. Also called: PLATYSPONDYLY WITH AMELOGENESIS IMPERFECTA; Tooth agenesis, selective, 6; Dental anomalies and short stature. Identifiers: Orphanet 2899, MedGen C1832594, MONDO:0011018, OMIM 601216. Disease mechanism: loss of function.

Submission:

Labcorp Genetics (formerly Invitae), Labcorp
Classification: Uncertain significance for Brachyolmia-amelogenesis imperfecta syndrome. Last evaluated: 2024-04-27. Review status: criteria provided, single submitter. Criteria: Invitae Variant Classification Sherloc (09022015). Collection method: clinical testing. Allele origin: germline.
Comment: This sequence change replaces aspartic acid, which is acidic and polar, with histidine, which is basic and polar, at codon 616 of the LTBP3 protein (p.Asp616His). This variant also falls at the last nucleotide of exon 12, which is part of the consensus splice site for this exon. This variant is not present in population databases (gnomAD no frequency). This variant has not been reported in the literature in individuals affected with LTBP3-related conditions. An algorithm developed to predict the effect of missense changes on protein structure and function (PolyPhen-2) suggests that this variant is likely to be disruptive. Variants that disrupt the consensus splice site are a relatively common cause of aberrant splicing (PMID: 17576681, 9536098). Algorithms developed to predict the effect of sequence changes on RNA splicing suggest that this variant may disrupt the consensus splice site. In summary, the available evidence is currently insufficient to determine the role of this variant in disease. Therefore, it has been classified as a Variant of Uncertain Significance.

Literature cited by the submitters: PubMed 17576681; PubMed 9536098.

NM_001130144.3(LTBP3):c.1846G>C (p.Asp616His)

Gene: LTBP3 (latent transforming growth factor beta binding protein 3; minus strand). Cytogenetic location: 11q13.1.
Variant type: single nucleotide variant.
Coding change: c.1846G>C on transcript NM_001130144.3 (MANE Select); coding-DNA position 1846, G replaced by C.
Protein change: p.Asp616His; replaces aspartic acid 616 with histidine.
Molecular consequence: missense variant.
Genome position (GRCh38, 1-based): chr11:65,547,920, C>G on the plus strand (G>C on the coding strand, the complement: LTBP3 is on the minus strand). VCF-style: chr11-65547920-C-G. GRCh37 (hg19) VCF-style: chr11-65315391-C-G.
Other names: c.1495G>C, p.Asp499His (NM_001164266.1); c.1846G>C, p.Asp616His (NM_021070.4); short protein forms D499H, D616H.
Identifiers: ClinVar variation 3650548 (VCV003650548.2).
Genomic context (GRCh38, chr11:65,547,920, plus strand): 5'-CGTCGTTATCTGGGGTCCCCCCCCACCCACCTGCATGCCCGCCGCCTGCCCTGCGCTCAC[C>G]CACGCAGTAGCGGTGCTGGGGATGTGACCGGTAGCCGGGGTTGCAGTGGCAGGAGTAGTC-3'
Protein context (NP_001123616.1, residues 606-626): RSHPQHRYCV[Asp616His]VNECEAEPCG